The following is an entry in ClinVar:

NM_032043.3(BRIP1):c.2709G>A (p.Gln903=)

Gene: BRIP1 (BRCA1 interacting DNA helicase 1; minus strand). Cytogenetic location: 17q23.2.
Variant type: single nucleotide variant.
Coding change: c.2709G>A on transcript NM_032043.3 (MANE Select); coding-DNA position 2709, G replaced by A.
Protein change: p.Gln903=; no amino-acid change (glutamine 903 retained).
Molecular consequence: synonymous variant.
Genome position (GRCh38, 1-based): chr17:61,686,032, C>T on the plus strand (G>A on the coding strand, the complement: BRIP1 is on the minus strand). VCF-style: chr17-61686032-C-T. GRCh37 (hg19) VCF-style: chr17-59763393-C-T.
Identifiers: ClinVar variation 2953862 (VCV002953862.4), dbSNP rs2144114390, ClinGen allele CA501335766.

ClinVar aggregate classification (germline): Benign/Likely benign. Review status: criteria provided, multiple submitters, no conflicts (2 of 4 stars). 2 submissions from 2 submitters: Benign (1); Likely benign (1). Last evaluated 2024-09-05.

Conditions:
Familial cancer of breast. Also called: BREAST CANCER, FAMILIAL; hereditary breast carcinoma; Hereditary breast cancer. Identifiers: Orphanet 227535, MedGen C0346153, MONDO:0016419, OMIM 114480. Disease mechanism: loss of function.
Fanconi anemia complementation group J. Also called: BRIP1-Related Fanconi Anemia. Identifiers: Orphanet 84, MedGen C1836860, MONDO:0012187, OMIM 609054.

Submissions (2):

Myriad Genetics, Inc.
Classification: Benign for Familial cancer of breast. Last evaluated: 2024-09-05. Review status: criteria provided, single submitter. Criteria: Myriad Autosomal Dominant, Autosomal Recessive and X-Linked Classification Criteria (2023). Collection method: clinical testing. Allele origin: unknown.
Comment: This variant is considered benign. This variant is a silent/synonymous amino acid change and it is not expected to impact splicing.

Labcorp Genetics (formerly Invitae), Labcorp
Classification: Likely benign for Familial cancer of breast; Fanconi anemia complementation group J. Last evaluated: 2023-11-14. Review status: criteria provided, single submitter. Criteria: Invitae Variant Classification Sherloc (09022015). Collection method: clinical testing. Allele origin: germline.